The following is an entry in ClinVar:

NC_000016.9:g.(?_89880928)_(89883065_?)dup

Genes: FANCA (FA complementation group A; minus strand), LOC112486223 (Sharpr-MPRA regulatory region 3988; plus strand), LOC130059839 (ATAC-STARR-seq lymphoblastoid silent region 7925; plus strand). Cytogenetic location: 16q24.3.
Variant type: Duplication.
Identifiers: ClinVar variation 417424 (VCV000417424.1).

ClinVar aggregate classification (germline): Uncertain significance (1 of 4 stars; one submission).

Conditions:
Fanconi anemia (FA). Also called: Fanconi's anemia. Identifiers: Orphanet 84, MedGen C0015625, MeSH D005199, MONDO:0019391.

Submission:

Labcorp Genetics (formerly Invitae), Labcorp
Classification: Uncertain significance for Fanconi anemia. Last evaluated: 2016-08-29. Review status: criteria provided, single submitter. Criteria: Invitae Variant Classification Sherloc (09022015). Collection method: clinical testing. Allele origin: germline.
Comment: This variant is a gross duplication of the genomic region encompassing exons 1-3 of the FANCA gene. The 5' end of this event is unknown as it extends beyond the assayed region for this gene and therefore may encompass additional genes. The 3' boundary is likely confined to intron 3 of the FANCA gene. This variant is not present in population databases (ExAC no frequency) and has not been reported in the literature in individuals with a FANCA-related disease. In summary, this variant is a novel duplication with uncertain impact on protein function. It has been classified as a Variant of Uncertain Significance.